The following is an entry in ClinVar:

NM_001122955.4(BSCL2):c.1048C>G (p.Arg350Gly)

Genes: BSCL2 (BSCL2 lipid droplet biogenesis associated, seipin; minus strand), HNRNPUL2-BSCL2 (HNRNPUL2-BSCL2 readthrough (NMD candidate); minus strand). Cytogenetic location: 11q12.3.
Variant type: single nucleotide variant.
Coding change: c.1048C>G on transcript NM_001122955.4 (MANE Select); coding-DNA position 1048, C replaced by G.
Protein change: p.Arg350Gly; replaces arginine 350 with glycine.
Molecular consequence: missense variant. On other transcripts: non-coding transcript variant (1).
Genome position (GRCh38, 1-based): chr11:62,691,099, G>C on the plus strand (C>G on the coding strand, the complement: BSCL2 is on the minus strand). VCF-style: chr11-62691099-G-C. GRCh37 (hg19) VCF-style: chr11-62458571-G-C.
Other names: c.714C>G, p.Asn238Lys (NM_001130702.2); c.1048C>G, p.Arg350Gly (NM_001386027.1, NM_001386028.1); c.856C>G, p.Arg286Gly (NM_032667.6); short protein forms N238K, R350G, R286G.
Identifiers: ClinVar variation 1376049 (VCV001376049.8), dbSNP rs763070770, ClinGen allele CA380958033.

ClinVar aggregate classification (germline): Uncertain significance (1 of 4 stars; one submission).

Conditions:
Charcot-Marie-Tooth disease type 2. Also called: Charcot-Marie-Tooth type 2. Identifiers: Orphanet 64746, MedGen C0270914, MONDO:0018993.

gnomAD v4.1: 1 of 1,614,224 alleles (0.000062%); highest among the groups gnomAD compares: Non-Finnish European, 0.000085%; no homozygotes.

Submission:

Labcorp Genetics (formerly Invitae), Labcorp
Classification: Uncertain significance for Charcot-Marie-Tooth disease type 2. Last evaluated: 2022-06-20. Review status: criteria provided, single submitter. Criteria: Invitae Variant Classification Sherloc (09022015). Collection method: clinical testing. Allele origin: germline.
Comment: This sequence change replaces arginine, which is basic and polar, with glycine, which is neutral and non-polar, at codon 286 of the BSCL2 protein (p.Arg286Gly). This variant is not present in population databases (gnomAD no frequency). This variant has not been reported in the literature in individuals affected with BSCL2-related conditions. Algorithms developed to predict the effect of missense changes on protein structure and function output the following: SIFT: "Tolerated"; PolyPhen-2: "Benign"; Align-GVGD: "Class C0". The glycine amino acid residue is found in multiple mammalian species, which suggests that this missense change does not adversely affect protein function. In summary, the available evidence is currently insufficient to determine the role of this variant in disease. Therefore, it has been classified as a Variant of Uncertain Significance.